The following is an entry in ClinVar:

ClinVar aggregate classification (germline): Uncertain significance (1 of 4 stars; one submission).

Allele frequency attached by ClinVar (database versions not stated): TOPMed 0.00002.
gnomAD v4.1: 4 of 1,613,222 alleles (0.00025%); highest among the groups gnomAD compares: Non-Finnish European, 0.00034%; no homozygotes.

Submission:

Labcorp Genetics (formerly Invitae), Labcorp
Classification: Uncertain significance. Last evaluated: 2022-01-06. Review status: criteria provided, single submitter. Criteria: Invitae Variant Classification Sherloc (09022015). Collection method: clinical testing. Allele origin: germline.
Comment: In summary, the available evidence is currently insufficient to determine the role of this variant in disease. Therefore, it has been classified as a Variant of Uncertain Significance. Algorithms developed to predict the effect of missense changes on protein structure and function output the following: SIFT: "Tolerated"; PolyPhen-2: "Benign"; Align-GVGD: "Class C0". The aspartic acid amino acid residue is found in multiple mammalian species, which suggests that this missense change does not adversely affect protein function. ClinVar contains an entry for this variant (Variation ID: 1015279). This variant has not been reported in the literature in individuals affected with ARHGEF18-related conditions. This variant is present in population databases (no rsID available, gnomAD 0.007%). This sequence change replaces glutamic acid, which is acidic and polar, with aspartic acid, which is acidic and polar, at codon 356 of the ARHGEF18 protein (p.Glu356Asp).

NM_001367823.1(ARHGEF18):c.1632G>T (p.Glu544Asp)

Gene: ARHGEF18 (Rho/Rac guanine nucleotide exchange factor 18; plus strand). Cytogenetic location: 19p13.2.
Variant type: single nucleotide variant.
Coding change: c.1632G>T on transcript NM_001367823.1 (MANE Select); coding-DNA position 1632, G replaced by T.
Protein change: p.Glu544Asp; replaces glutamic acid 544 with aspartic acid.
Molecular consequence: missense variant.
Genome position (GRCh38, 1-based): chr19:7,447,063, G>T. VCF-style: chr19-7447063-G-T. GRCh37 (hg19) VCF-style: chr19-7511949-G-T.
Other names: c.906G>T, p.Glu302Asp (NM_001130955.2); c.594G>T, p.Glu198Asp (NM_001367824.1, NM_015318.4); short protein forms E198D, E302D, E544D.
Identifiers: ClinVar variation 1015279 (VCV001015279.8), dbSNP rs775135579, ClinGen allele CA403106081.